The following is an entry in ClinVar:

NM_001099857.5(IKBKG):c.121C>G (p.Leu41Val)

Gene: IKBKG (inhibitor of nuclear factor kappa B kinase regulatory subunit gamma; plus strand). Cytogenetic location: Xq28.
Variant type: single nucleotide variant.
Coding change: c.121C>G on transcript NM_001099857.5 (MANE Select); coding-DNA position 121, C replaced by G.
Protein change: p.Leu41Val; replaces leucine 41 with valine.
Molecular consequence: missense variant. On other transcripts: non-coding transcript variant (1).
Genome position (GRCh38, 1-based): chrX:154,552,123, C>G. VCF-style: chrX-154552123-C-G. GRCh37 (hg19) VCF-style: chrX-153780338-C-G.
Other names: c.325C>G, p.Leu109Val (NM_001099856.6); c.121C>G, p.Leu41Val (NM_001145255.4, NM_001321396.3, NM_001321397.3 and 5 more transcripts); short protein forms L109V, L41V.
Identifiers: ClinVar variation 2661855 (VCV002661855.24), dbSNP rs782030098, ClinGen allele CA10566440.
Genomic context (GRCh38, chrX:154,552,123, plus strand): 5'-GCAGCAGATCAGGACGTACTGGGCGAAGAGTCTCCTCTGGGGAAGCCAGCCATGCTGCAC[C>G]TGCCTTCAGAACAGGGCGCTCCTGAGACCCTCCAGCGCTGCCTGGAGGAGAATCAAGAGC-3'
Protein context (NP_001093327.1, residues 31-51): SPLGKPAMLH[Leu41Val]PSEQGAPETL

ClinVar aggregate classification (germline): Likely benign (1 of 4 stars; one submission).

Allele frequency attached by ClinVar (database versions not stated): gnomAD 0.00004; gnomAD exomes 0.00004; ExAC 0.00005; TOPMed 0.00003.
gnomAD v4.1: 43 of 1,195,334 alleles (0.0036%); highest among the groups gnomAD compares: Middle Eastern, 0.023%; no homozygotes.

Submission:

CeGaT Center for Human Genetics Tuebingen
Classification: Likely benign. Last evaluated: 2023-07-01. Review status: criteria provided, single submitter. Criteria: CeGaT Center For Human Genetics Tuebingen Variant Classification Criteria Version 2. Collection method: clinical testing. Allele origin: germline. Affected: yes. Observed: 1 variant allele.
Comment: IKBKG: BS2